The following is an entry in ClinVar:

ClinVar aggregate classification (germline): Conflicting classifications of pathogenicity. Review status: criteria provided, conflicting classifications (1 of 4 stars). 2 submissions from 2 submitters: Pathogenic (1); Uncertain significance (1). Last evaluated 2022-04-26.

Conditions:
Frontotemporal dementia and/or amyotrophic lateral sclerosis 4. Also called: FTDALS4. Identifiers: Orphanet 275872, MedGen C4225325, MONDO:0014641, OMIM 616439.

gnomAD v4.1: 2 of 1,612,266 alleles (0.00012%); highest among the groups gnomAD compares: Non-Finnish European, 0.00017%; no homozygotes.

Submissions (2):

Labcorp Genetics (formerly Invitae), Labcorp
Classification: Uncertain significance for Frontotemporal dementia and/or amyotrophic lateral sclerosis 4. Last evaluated: 2022-04-26. Review status: criteria provided, single submitter. Criteria: Invitae Variant Classification Sherloc (09022015). Collection method: clinical testing. Allele origin: germline.
Comment: Experimental studies have shown that this missense change affects TBK1 function (PMID: 28008748). Advanced modeling of protein sequence and biophysical properties (such as structural, functional, and spatial information, amino acid conservation, physicochemical variation, residue mobility, and thermodynamic stability) performed at Invitae indicates that this missense variant is not expected to disrupt TBK1 protein function. ClinVar contains an entry for this variant (Variation ID: 807706). This missense change has been observed in individual(s) with clinical features of TBK1-related conditions (PMID: 26476236, 28008748). This variant is not present in population databases (gnomAD no frequency). This sequence change replaces arginine, which is basic and polar, with cysteine, which is neutral and slightly polar, at codon 143 of the TBK1 protein (p.Arg143Cys). Algorithms developed to predict the effect of sequence changes on RNA splicing suggest that this variant may create or strengthen a splice site. In summary, the available evidence is currently insufficient to determine the role of this variant in disease. Therefore, it has been classified as a Variant of Uncertain Significance.

Institute of Human Genetics Munich, TUM University Hospital
Classification: Pathogenic for Frontotemporal dementia and/or amyotrophic lateral sclerosis 4. Last evaluated: 2019-06-07. Review status: criteria provided, single submitter. Criteria: Classification criteria August 2017. Collection method: clinical testing. Allele origin: germline. Inheritance: Autosomal dominant inheritance. Affected: yes. Observed: 1 heterozygote.

Literature cited by the submitters: PubMed 28008748 (cited by Labcorp Genetics (formerly Invitae), Labcorp); PubMed 26476236 (cited by Labcorp Genetics (formerly Invitae), Labcorp).

NM_013254.4(TBK1):c.427C>T (p.Arg143Cys)

Gene: TBK1 (TANK binding kinase 1; plus strand). Cytogenetic location: 12q14.2.
Variant type: single nucleotide variant.
Coding change: c.427C>T on transcript NM_013254.4 (MANE Select); coding-DNA position 427, C replaced by T.
Protein change: p.Arg143Cys; replaces arginine 143 with cysteine.
Molecular consequence: missense variant.
Genome position (GRCh38, 1-based): chr12:64,466,969, C>T. VCF-style: chr12-64466969-C-T. GRCh37 (hg19) VCF-style: chr12-64860749-C-T.
Other names: short protein forms R143C.
Identifiers: ClinVar variation 807706 (VCV000807706.8), dbSNP rs1027249002, ClinGen allele CA385596028.